The following is an entry in ClinVar:

NM_020778.5(ALPK3):c.1397C>T (p.Pro466Leu)

Gene: ALPK3 (alpha kinase 3; plus strand). Cytogenetic location: 15q25.3.
Variant type: single nucleotide variant.
Coding change: c.1397C>T on transcript NM_020778.5 (MANE Select); coding-DNA position 1397, C replaced by T.
Protein change: p.Pro466Leu; replaces proline 466 with leucine.
Molecular consequence: missense variant.
Genome position (GRCh38, 1-based): chr15:84,840,676, C>T. VCF-style: chr15-84840676-C-T. GRCh37 (hg19) VCF-style: chr15-85383907-C-T.
Other names: short protein forms P466L.
Identifiers: ClinVar variation 3681080 (VCV003681080.2).

ClinVar aggregate classification (germline): Uncertain significance (1 of 4 stars; one submission).

Submission:

Labcorp Genetics (formerly Invitae), Labcorp
Classification: Uncertain significance. Last evaluated: 2024-08-28. Review status: criteria provided, single submitter. Criteria: Invitae Variant Classification Sherloc (09022015). Collection method: clinical testing. Allele origin: germline.
Comment: This sequence change replaces proline, which is neutral and non-polar, with leucine, which is neutral and non-polar, at codon 668 of the ALPK3 protein (p.Pro668Leu). This variant is not present in population databases (gnomAD no frequency). This variant has not been reported in the literature in individuals affected with ALPK3-related conditions. An algorithm developed to predict the effect of missense changes on protein structure and function outputs the following: PolyPhen-2: "Benign". The leucine amino acid residue is found in multiple mammalian species, which suggests that this missense change does not adversely affect protein function. In summary, the available evidence is currently insufficient to determine the role of this variant in disease. Therefore, it has been classified as a Variant of Uncertain Significance.